The following is an entry in ClinVar:

ClinVar aggregate classification (germline): Pathogenic (1 of 4 stars; one submission).

Submission:

Labcorp Genetics (formerly Invitae), Labcorp
Classification: Pathogenic. Last evaluated: 2023-10-04. Review status: criteria provided, single submitter. Criteria: Invitae Variant Classification Sherloc (09022015). Collection method: clinical testing. Allele origin: unknown.
Comment: This variant is a gross deletion of the genomic region encompassing exon(s) 35-41 of the COL4A3 gene. This variant would be expected to be in-frame, preserving the integrity of the reading frame. This variant has not been reported in the literature in individuals affected with COL4A3-related conditions. This variant disrupts a region of the COL4A3 protein in which other variant(s) (p.Gly997Glu) have been determined to be pathogenic (PMID: 25381091, 25596306, 28542346). This suggests that this is a clinically significant region of the protein, and that variants that disrupt it are likely to be disease-causing. For these reasons, this variant has been classified as Pathogenic.

Literature cited by the submitters: PubMed 25381091; PubMed 25596306; PubMed 28542346.

NC_000002.11:g.(?_228153846)_(228160052_?)del

Gene: COL4A3 (collagen type IV alpha 3 chain; plus strand). Cytogenetic location: 2q36.3.
Variant type: Deletion.
Identifiers: ClinVar variation 3247438 (VCV003247438.1).